The following is an entry in ClinVar:

NM_000051.4(ATM):c.186-2A>G

Gene: ATM (ATM serine/threonine kinase; plus strand). Cytogenetic location: 11q22.3.
Variant type: single nucleotide variant.
Coding change: c.186-2A>G on transcript NM_000051.4 (MANE Select); the canonical splice acceptor site of the intron before coding-DNA position 186, A replaced by G.
Molecular consequence: splice acceptor variant.
Genome position (GRCh38, 1-based): chr11:108,229,176, A>G. VCF-style: chr11-108229176-A-G. GRCh37 (hg19) VCF-style: chr11-108099903-A-G.
Other names: c.186-2A>G (NM_001351834.2, NM_001351835.2, NM_001351836.2).
Identifiers: ClinVar variation 941969 (VCV000941969.8), dbSNP rs2078881350, ClinGen allele CA382520969.

ClinVar aggregate classification (germline): Likely pathogenic (1 of 4 stars; one submission).

Conditions:
Ataxia-telangiectasia syndrome (AT). Also called: Cerebello-oculocutaneous telangiectasia; Immunodeficiency with ataxia telangiectasia; LOUIS-BAR SYNDROME; AT, COMPLEMENTATION GROUP C; ATAXIA-TELANGIECTASIA, COMPLEMENTATION GROUP A; ATAXIA-TELANGIECTASIA, FRESNO VARIANT. Identifiers: Orphanet 100, MedGen C0004135, MONDO:0008840, OMIM 208900.

Submission:

Labcorp Genetics (formerly Invitae), Labcorp
Classification: Likely pathogenic for Ataxia-telangiectasia syndrome. Last evaluated: 2019-10-02. Review status: criteria provided, single submitter. Criteria: Invitae Variant Classification Sherloc (09022015). Collection method: clinical testing. Allele origin: germline.
Comment: Donor and acceptor splice site variants typically lead to a loss of protein function (PMID: 16199547), and loss-of-function variants in ATM are known to be pathogenic (PMID: 23807571, 25614872). This sequence change affects an acceptor splice site in intron 3 of the ATM gene. It is expected to disrupt RNA splicing and likely results in an absent or disrupted protein product. This variant is not present in population databases (ExAC no frequency). This variant has not been reported in the literature in individuals with ATM-related conditions. Algorithms developed to predict the effect of sequence changes on RNA splicing suggest that this variant may disrupt the consensus splice site, but this prediction has not been confirmed by published transcriptional studies. In summary, the currently available evidence indicates that the variant is pathogenic, but additional data are needed to prove that conclusively. Therefore, this variant has been classified as Likely Pathogenic.

Literature cited by the submitters: PubMed 16199547; PubMed 23807571; PubMed 25614872.